The following is an entry in ClinVar:

NM_000059.4(BRCA2):c.8824G>A (p.Ala2942Thr)

Gene: BRCA2 (BRCA2 DNA repair associated; plus strand). Cytogenetic location: 13q13.1.
Variant type: single nucleotide variant.
Coding change: c.8824G>A on transcript NM_000059.4 (MANE Select); coding-DNA position 8824, G replaced by A.
Protein change: p.Ala2942Thr; replaces alanine 2942 with threonine.
Molecular consequence: missense variant.
Genome position (GRCh38, 1-based): chr13:32,379,386, G>A. VCF-style: chr13-32379386-G-A. GRCh37 (hg19) VCF-style: chr13-32953523-G-A.
Other names: short protein forms A2942T.
Identifiers: ClinVar variation 52687 (VCV000052687.30), dbSNP rs80359139, ClinGen allele CA025838.
Genomic context (GRCh38, chr13:32,379,386, plus strand): 5'-AGTGAAGAGCAGTTAAGAGCCTTGAATAATCACAGGCAAATGTTGAATGATAAGAAACAA[G>A]CTCAGATCCAGTTGGAAATTAGGAAGGCCATGGAATCTGCTGAACAAAAGGAACAAGGTT-3'
Protein context (NP_000050.3, residues 2932-2952): HRQMLNDKKQ[Ala2942Thr]QIQLEIRKAM

ClinVar aggregate classification (germline): Conflicting classifications of pathogenicity. Review status: criteria provided, conflicting classifications (1 of 4 stars). 9 submissions from 9 submitters: Uncertain significance (6); Likely benign (1). 2 of the submissions do not count toward it. Last evaluated 2026-01-10.

Conditions:
Hereditary breast ovarian cancer syndrome. Also called: Hereditary breast and ovarian cancer syndrome; Hereditary breast and ovarian cancer; Hereditary breast and ovarian cancer syndrome (HBOC); Breast and ovarian cancer; Hereditary breast and/or ovarian cancer syndrome; BRCA1- and BRCA2-Associated Hereditary Breast and Ovarian Cancer. Identifiers: Orphanet 145, MedGen C0677776, MeSH D061325, MONDO:0003582. Disease mechanism: loss of function.
Hereditary cancer-predisposing syndrome. Also called: Neoplastic Syndromes, Hereditary; Tumor predisposition; Hereditary neoplastic syndrome; Hereditary Cancer Syndrome. Identifiers: Orphanet 140162, MedGen C0027672, MeSH D009386, MONDO:0015356.
Breast-ovarian cancer, familial, susceptibility to, 2 (BROVCA2). Also called: BRCA2 Hereditary Breast and Ovarian Cancer. Identifiers: Orphanet 145, MedGen C2675520, MONDO:0012933, OMIM 612555. Disease mechanism: loss of function.
Familial cancer of breast. Also called: BREAST CANCER, FAMILIAL; Hereditary breast cancer; hereditary breast carcinoma. Identifiers: Orphanet 227535, MedGen C0346153, MONDO:0016419, OMIM 114480. Disease mechanism: loss of function.

Allele frequency attached by ClinVar (database versions not stated): gnomAD exomes below 0.00001; ExAC 0.00001.
gnomAD v4.1: 2 of 1,613,796 alleles (0.00012%); highest among the groups gnomAD compares: Non-Finnish European, 0.000085%; no homozygotes.

Submissions (9):

Labcorp Genetics (formerly Invitae), Labcorp
Classification: Uncertain significance for Hereditary breast ovarian cancer syndrome. Last evaluated: 2026-01-10. Review status: criteria provided, single submitter. Criteria: Invitae Variant Classification Sherloc (09022015). Collection method: clinical testing. Allele origin: germline.
Comment: This sequence change replaces alanine, which is neutral and non-polar, with threonine, which is neutral and polar, at codon 2942 of the BRCA2 protein (p.Ala2942Thr). This variant is present in population databases (rs80359139, gnomAD 0.006%). This missense change has been observed in individual(s) with endometrial cancer (PMID: 26689913). ClinVar contains an entry for this variant (Variation ID: 52687). Invitae Evidence Modeling of protein sequence and biophysical properties (such as structural, functional, and spatial information, amino acid conservation, physicochemical variation, residue mobility, and thermodynamic stability) indicates that this missense variant is not expected to disrupt BRCA2 protein function with a negative predictive value of 95%. In summary, the available evidence is currently insufficient to determine the role of this variant in disease. Therefore, it has been classified as a Variant of Uncertain Significance.

Ambry Genetics
Classification: Likely benign for Hereditary cancer-predisposing syndrome. Last evaluated: 2025-05-15. Review status: criteria provided, single submitter. Criteria: Ambry Variant Classification Scheme 2023. Collection method: clinical testing. Allele origin: germline.

Baylor Genetics
Classification: Uncertain significance for Familial cancer of breast. Last evaluated: 2024-02-27. Review status: criteria provided, single submitter. Criteria: ACMG Guidelines, 2015. Collection method: clinical testing. Allele origin: unknown.

Color Diagnostics, LLC DBA Color Health
Classification: Uncertain significance for Hereditary cancer-predisposing syndrome. Last evaluated: 2021-04-21. Review status: criteria provided, single submitter. Criteria: ACMG Guidelines, 2015. Collection method: clinical testing. Allele origin: germline.
Comment: This missense variant replaces alanine with threonine at codon 2942 of the BRCA2 protein. Computational prediction is inconclusive regarding the impact of this variant on protein structure and function (internally defined REVEL score threshold 0.5 < inconclusive < 0.7, PMID: 27666373). To our knowledge, functional studies have not been reported for this variant. This variant has been reported in an individual affected with endometrial carcinoma in the literature (PMID: 26689913). This variant has been identified in 1/250826 chromosomes in the general population by the Genome Aggregation Database (gnomAD). The available evidence is insufficient to determine the role of this variant in disease conclusively. Therefore, this variant is classified as a Variant of Uncertain Significance.

Quest Diagnostics Nichols Institute San Juan Capistrano
Classification: Uncertain significance. Last evaluated: 2020-06-25. Review status: criteria provided, single submitter. Criteria: Quest Diagnostics criteria. Collection method: clinical testing. Allele origin: unknown.

ARUP Laboratories, Molecular Genetics and Genomics, ARUP Laboratories
Classification: Uncertain significance. Last evaluated: 2019-05-10. Review status: criteria provided, single submitter. Criteria: ARUP Molecular Germline Variant Investigation Process. Collection method: clinical testing. Allele origin: germline.
Comment: The BRCA2 c.8824G>A; p.Ala2942Thr variant (rs80359139) is reported with uncertain significance in ClinVar (Variation ID: 52687). This variant is only observed in one allele in the Genome Aggregation Database, indicating it is not a common polymorphism. The alanine at codon 2942 is highly conserved, but a protein likelihood algorithm specifically designed for BRCA2 missense variants, suggests this variant is tolerated (Karchin 2008). However, given the lack of clinical and functional data, the significance of this variant is uncertain at this time. REFERENCES Karchin R et al. Classifying Variants of Undetermined Significance in BRCA2 with protein likelihood ratios. Cancer Inform. 2008;6:203-16.

GeneDx
Classification: Uncertain significance. Last evaluated: 2018-04-30. Review status: criteria provided, single submitter. Criteria: GeneDx Variant Classification (06012015). Collection method: clinical testing. Allele origin: germline. Affected: yes.
Comment: This variant is denoted BRCA2 c.8824G>A at the cDNA level, p.Ala2942Thr (A2942T) at the protein level, and results in the change of an Alanine to a Threonine (GCT>ACT). Using alternate nomenclature, this variant would be defined as BRCA2 9052G>A. This variant has not, to our knowledge, been published in the literature as pathogenic or benign. BRCA2 Ala2942Thr was not observed at a significant allele frequency in large population cohorts (Lek 2016). This variant is located in the DNA binding domain (Yang 2002). In silico analysis, which includes protein predictors and evolutionary conservation, supports that this variant does not alter protein structure/function. Based on currently available evidence, it is unclear whether BRCA2 Ala2942Thr is a pathogenic or benign variant. We consider it to be a variant of uncertain significance.

Counsyl
Classification: Uncertain significance for Breast-ovarian cancer, familial, susceptibility to, 2. Last evaluated: 2017-06-13. Review status: no assertion criteria provided. Collection method: clinical testing. Allele origin: unknown. Not counted in ClinVar's aggregate classification.

Breast Cancer Information Core (BIC) (BRCA2)
Classification: Uncertain significance for Breast-ovarian cancer, familial 2. Last evaluated: 2003-12-23. Review status: no assertion criteria provided. Collection method: clinical testing. Allele origin: germline. Affected: yes. Observed: 1 variant allele. Not counted in ClinVar's aggregate classification.

Literature cited by the submitters: PubMed 26689913 (cited by 4 submitters); PubMed 19043619 (cited by 3 submitters).